The following is an entry in ClinVar:

NM_001365308.1(BMPER):c.925C>T (p.Gln309Ter)

Gene: BMPER (BMP binding endothelial regulator; plus strand). Cytogenetic location: 7p14.3.
Variant type: single nucleotide variant.
Coding change: c.925C>T on transcript NM_001365308.1 (MANE Select); coding-DNA position 925, C replaced by T.
Protein change: p.Gln309Ter; replaces glutamine 309 with a stop codon.
Molecular consequence: nonsense.
Genome position (GRCh38, 1-based): chr7:34,055,301, C>T. VCF-style: chr7-34055301-C-T. GRCh37 (hg19) VCF-style: chr7-34094913-C-T.
Other names: c.925C>T, p.Gln309Ter (NM_133468.5); c.925C>T (NM_133468.4); short protein forms Q309*.
Identifiers: ClinVar variation 30742 (VCV000030742.5), dbSNP rs387906992, ClinGen allele CA129429.

ClinVar aggregate classification (germline): Pathogenic. Review status: criteria provided, multiple submitters, no conflicts (2 of 4 stars). 3 submissions from 3 submitters: Pathogenic (2). 1 of the submissions does not count toward it. Last evaluated 2025-02-26.

Conditions:
Diaphanospondylodysostosis. Also called: VERTEBRAL OSSIFICATION, DEFECT IN, WITH NEPHROGENIC RESTS. Identifiers: Orphanet 66637, MedGen C1842691, MONDO:0011946, OMIM 608022.

Allele frequency attached by ClinVar (database versions not stated): TOPMed 0.00001; gnomAD 0.00001; gnomAD exomes below 0.00001.
gnomAD v4.1: 4 of 1,613,812 alleles (0.00025%); highest among the groups gnomAD compares: Admixed American, 0.0033%; no homozygotes.

Submissions (3):

Labcorp Genetics (formerly Invitae), Labcorp
Classification: Pathogenic. Last evaluated: 2025-02-26. Review status: criteria provided, single submitter. Criteria: Invitae Variant Classification Sherloc (09022015). Collection method: clinical testing. Allele origin: germline.
Comment: This sequence change creates a premature translational stop signal (p.Gln309*) in the BMPER gene. It is expected to result in an absent or disrupted protein product. Loss-of-function variants in BMPER are known to be pathogenic (PMID: 20869035, 21990102). The frequency data for this variant in the population databases is considered unreliable, as metrics indicate poor data quality at this position in the gnomAD database. This premature translational stop signal has been observed in individual(s) with diaphanospondylodysostosis (PMID: 20869035). ClinVar contains an entry for this variant (Variation ID: 30742). For these reasons, this variant has been classified as Pathogenic.

GeneDx
Classification: Pathogenic. Last evaluated: 2023-01-06. Review status: criteria provided, single submitter. Criteria: GeneDx Variant Classification Process June 2021. Collection method: clinical testing. Allele origin: germline. Affected: yes.
Comment: Nonsense variant predicted to result in protein truncation or nonsense mediated decay in a gene for which loss of function is a known mechanism of disease; Not observed at significant frequency in large population cohorts (gnomAD); This variant is associated with the following publications: (PMID: 31589614, 25525159, 20869035)

OMIM
Classification: Pathogenic for DIAPHANOSPONDYLODYSOSTOSIS. Last evaluated: 2010-10-08. Review status: no assertion criteria provided. Collection method: literature only. Allele origin: germline. Not counted in ClinVar's aggregate classification.

Literature cited by the submitters: PubMed 20869035 (cited by Labcorp Genetics (formerly Invitae), Labcorp and OMIM); PubMed 21990102 (cited by Labcorp Genetics (formerly Invitae), Labcorp).